The following is an entry in ClinVar:

ClinVar aggregate classification (germline): Uncertain significance (1 of 4 stars; one submission).

Conditions:
Facioscapulohumeral muscular dystrophy 2 (FSHD2). Also called: FACIOSCAPULOHUMERAL MUSCULAR DYSTROPHY 2, DIGENIC; FSHD2, DIGENIC; MUSCULAR DYSTROPHY, FACIOSCAPULOHUMERAL, TYPE 1B. Identifiers: Orphanet 269, MedGen C1834671, MONDO:0008031, OMIM 158901.

Allele frequency attached by ClinVar (database versions not stated): gnomAD 0.00001; gnomAD exomes 0.00001; TOPMed 0.00001.
gnomAD v4.1: 16 of 1,496,060 alleles (0.0011%); highest among the groups gnomAD compares: Admixed American, 0.0055%; no homozygotes.

Submission:

Labcorp Genetics (formerly Invitae), Labcorp
Classification: Uncertain significance for Facioscapulohumeral muscular dystrophy 2. Last evaluated: 2020-04-10. Review status: criteria provided, single submitter. Criteria: Invitae Variant Classification Sherloc (09022015). Collection method: clinical testing. Allele origin: germline.
Comment: In summary, the available evidence is currently insufficient to determine the role of this variant in disease. Therefore, it has been classified as a Variant of Uncertain Significance. Algorithms developed to predict the effect of missense changes on protein structure and function (SIFT, PolyPhen-2, Align-GVGD) all suggest that this variant is likely to be tolerated, but these predictions have not been confirmed by published functional studies and their clinical significance is uncertain. This variant has not been reported in the literature in individuals with SMCHD1-related conditions. This variant is not present in population databases (ExAC no frequency). This sequence change replaces cysteine with phenylalanine at codon 59 of the SMCHD1 protein (p.Cys59Phe). The cysteine residue is weakly conserved and there is a large physicochemical difference between cysteine and phenylalanine.

NM_015295.3(SMCHD1):c.176G>T (p.Cys59Phe)

Genes: SMCHD1 (structural maintenance of chromosomes flexible hinge domain containing 1; plus strand), LOC130062084 (ATAC-STARR-seq lymphoblastoid silent region 9247; plus strand). Cytogenetic location: 18p11.32.
Variant type: single nucleotide variant.
Coding change: c.176G>T on transcript NM_015295.3 (MANE Select); coding-DNA position 176, G replaced by T.
Protein change: p.Cys59Phe; replaces cysteine 59 with phenylalanine.
Molecular consequence: missense variant.
Genome position (GRCh38, 1-based): chr18:2,656,251, G>T. VCF-style: chr18-2656251-G-T. GRCh37 (hg19) VCF-style: chr18-2656250-G-T.
Other names: short protein forms C59F.
Identifiers: ClinVar variation 1005761 (VCV001005761.9), dbSNP rs1469724104, ClinGen allele CA401685339.
Genomic context (GRCh38, chr18:2,656,251, plus strand): 5'-AGCTCGGGGACCGGCCTCTGCAGGTCGGGGAGCGCTCGGACTACGCGGGATTTCGCGCGT[G>T]TGTGTGTCAGGTACGCGAAGGGGCGAGGAAGGGATGCGCGTGTAGACTTGGGGGCGGGAG-3'
Protein context (NP_056110.2, residues 49-69): ERSDYAGFRA[Cys59Phe]VCQTLGISPE